The following is an entry in ClinVar:

ClinVar aggregate classification (germline): Uncertain significance (1 of 4 stars; one submission).

Submission:

Labcorp Genetics (formerly Invitae), Labcorp
Classification: Uncertain significance. Last evaluated: 2025-09-14. Review status: criteria provided, single submitter. Criteria: Invitae Variant Classification Sherloc (09022015). Collection method: clinical testing. Allele origin: germline.
Comment: This sequence change replaces serine, which is neutral and polar, with leucine, which is neutral and non-polar, at codon 3439 of the HUWE1 protein (p.Ser3439Leu). This variant is not present in population databases (gnomAD no frequency). This variant has not been reported in the literature in individuals affected with HUWE1-related conditions. Invitae Evidence Modeling of protein sequence and biophysical properties (such as structural, functional, and spatial information, amino acid conservation, physicochemical variation, residue mobility, and thermodynamic stability) has been performed for this missense variant. However, the output from this modeling did not meet the statistical confidence thresholds required to predict the impact of this variant on HUWE1 protein function. In summary, the available evidence is currently insufficient to determine the role of this variant in disease. Therefore, it has been classified as a Variant of Uncertain Significance.

NM_031407.7(HUWE1):c.10316C>T (p.Ser3439Leu)

Gene: HUWE1 (HECT, UBA and WWE domain containing E3 ubiquitin protein ligase 1; minus strand). Cytogenetic location: Xp11.22.
Variant type: single nucleotide variant.
Coding change: c.10316C>T on transcript NM_031407.7 (MANE Select); coding-DNA position 10316, C replaced by T.
Protein change: p.Ser3439Leu; replaces serine 3439 with leucine.
Molecular consequence: missense variant.
Genome position (GRCh38, 1-based): chrX:53,547,993, G>A on the plus strand (C>T on the coding strand, the complement: HUWE1 is on the minus strand). VCF-style: chrX-53547993-G-A. GRCh37 (hg19) VCF-style: chrX-53574954-G-A.
Other names: c.10313C>T, p.Ser3438Leu (NM_001441048.1, NM_001441051.1, NM_001441053.1 and 2 more transcripts); c.10316C>T, p.Ser3439Leu (NM_001441049.1, NM_001441054.1, NM_001441057.1); c.10337C>T, p.Ser3446Leu (NM_001441050.1, NM_001441055.1); c.9914C>T, p.Ser3305Leu (NM_001441052.1); short protein forms S3305L, S3438L, S3439L, S3446L.
Identifiers: ClinVar variation 4801040 (VCV004801040.1).